The following is an entry in ClinVar:

NM_001220.5(CAMK2B):c.565G>A (p.Glu189Lys)

Gene: CAMK2B (calcium/calmodulin dependent protein kinase II beta; minus strand). Cytogenetic location: 7p13.
Variant type: single nucleotide variant.
Coding change: c.565G>A on transcript NM_001220.5 (MANE Select); coding-DNA position 565, G replaced by A.
Protein change: p.Glu189Lys; replaces glutamic acid 189 with lysine.
Molecular consequence: missense variant.
Genome position (GRCh38, 1-based): chr7:44,243,286, C>T on the plus strand (G>A on the coding strand, the complement: CAMK2B is on the minus strand). VCF-style: chr7-44243286-C-T. GRCh37 (hg19) VCF-style: chr7-44282885-C-T.
Other names: c.565G>A, p.Glu189Lys (NM_001293170.2, NM_172078.3, NM_172079.3 and 5 more transcripts); short protein forms E189K.
Identifiers: ClinVar variation 2727027 (VCV002727027.3), dbSNP rs751458189, ClinGen allele CA367365679.
Genomic context (GRCh38, chr7:44,243,286, plus strand): 5'-GCACCAACTCAGGCCAGGCCTCACCACATGCCCAGATGTCCACAGGCTTGCCATACGCCT[C>T]TTTGCGAAGGACCTCAGGGGACAGGTAGCCTGGTGTGCCAGCGAAACCTAGAGAGAGGGG-3'
Protein context (NP_001211.3, residues 179-199): GYLSPEVLRK[Glu189Lys]AYGKPVDIWA

ClinVar aggregate classification (germline): Uncertain significance (1 of 4 stars; one submission).

Submission:

Labcorp Genetics (formerly Invitae), Labcorp
Classification: Uncertain significance. Last evaluated: 2025-04-08. Review status: criteria provided, single submitter. Criteria: Invitae Variant Classification Sherloc (09022015). Collection method: clinical testing. Allele origin: germline.
Comment: This sequence change replaces glutamic acid, which is acidic and polar, with lysine, which is basic and polar, at codon 189 of the CAMK2B protein (p.Glu189Lys). This variant is not present in population databases (gnomAD no frequency). This variant has not been reported in the literature in individuals affected with CAMK2B-related conditions. ClinVar contains an entry for this variant (Variation ID: 2727027). An algorithm developed to predict the effect of missense changes on protein structure and function (PolyPhen-2) suggests that this variant is likely to be disruptive. In summary, the available evidence is currently insufficient to determine the role of this variant in disease. Therefore, it has been classified as a Variant of Uncertain Significance.